The following is an entry in ClinVar:

ClinVar aggregate classification (germline): Pathogenic (1 of 4 stars; one submission).

Allele frequency attached by ClinVar (database versions not stated): TOPMed below 0.00001; gnomAD 0.00001; gnomAD exomes 0.00001.

Submission:

Labcorp Genetics (formerly Invitae), Labcorp
Classification: Pathogenic. Last evaluated: 2023-06-02. Review status: criteria provided, single submitter. Criteria: Invitae Variant Classification Sherloc (09022015). Collection method: clinical testing. Allele origin: germline.
Comment: For these reasons, this variant has been classified as Pathogenic. This premature translational stop signal has been observed in individual(s) with auditory neuropathy (PMID: 27729456). This variant is present in population databases (no rsID available, gnomAD 0.0009%). This sequence change creates a premature translational stop signal (p.Arg1116*) in the OTOF gene. It is expected to result in an absent or disrupted protein product. Loss-of-function variants in OTOF are known to be pathogenic (PMID: 18381613, 19250381, 22575033).

Literature cited by the submitters: PubMed 27729456; PubMed 18381613; PubMed 19250381; PubMed 22575033.

NM_194248.3(OTOF):c.3346C>T (p.Arg1116Ter)

Gene: OTOF (otoferlin; minus strand). Cytogenetic location: 2p23.3.
Variant type: single nucleotide variant.
Coding change: c.3346C>T on transcript NM_194248.3 (MANE Select); coding-DNA position 3346, C replaced by T.
Protein change: p.Arg1116Ter; replaces arginine 1116 with a stop codon.
Molecular consequence: nonsense.
Genome position (GRCh38, 1-based): chr2:26,474,053, G>A on the plus strand (C>T on the coding strand, the complement: OTOF is on the minus strand). VCF-style: chr2-26474053-G-A. GRCh37 (hg19) VCF-style: chr2-26696921-G-A.
Other names: c.3346C>T, p.Arg1116Ter (NM_001287489.2); c.1105C>T, p.Arg369Ter (NM_004802.4, NM_194323.3); c.1276C>T, p.Arg426Ter (NM_194322.3); short protein forms R369*, R426*, R1116*.
Identifiers: ClinVar variation 2979246 (VCV002979246.3), dbSNP rs891583660, ClinGen allele CA44397180.
Genomic context (GRCh38, chr2:26,474,053, plus strand): 5'-CCACTCGGTACTTGCTGAGCACGGGCCGGATGCCCATGGGCACGGGCATGATGGGACCTC[G>A]GTCCACGTCCACCGGGCCATTGATGGGGGGCAGGTCAGCCTTCCCTGCTGGTCCAATCTG-3'